The following is an entry in ClinVar:

ClinVar aggregate classification (germline): Uncertain significance (1 of 4 stars; one submission).

Conditions:
Emery-Dreifuss muscular dystrophy 4, autosomal dominant (EDMD4). Also called: EMERY-DREIFUSS MUSCULAR DYSTROPHY 4 WITH VARIABLE FEATURES. Identifiers: Orphanet 261, MedGen C2751807, MONDO:0013071, OMIM 612998.
Autosomal recessive ataxia, Beauce type. Also called: SYNE1-Related Autosomal Recessive Cerebellar Ataxia; Spinocerebellar ataxia, autosomal recessive 8; ATAXIA, RECESSIVE, OF BEAUCE; SYNE1 Deficiency. Identifiers: Orphanet 88644, MedGen C1853116, MONDO:0012549, OMIM 610743.

Allele frequency attached by ClinVar (database versions not stated): TOPMed below 0.00001; gnomAD 0.00001.
gnomAD v4.1: 1 of 1,614,042 alleles (0.000062%); highest among the groups gnomAD compares: Admixed American, 0.0017%; no homozygotes.

Submission:

Labcorp Genetics (formerly Invitae), Labcorp
Classification: Uncertain significance for Emery-Dreifuss muscular dystrophy 4, autosomal dominant; Autosomal recessive ataxia, Beauce type. Last evaluated: 2021-11-19. Review status: criteria provided, single submitter. Criteria: Invitae Variant Classification Sherloc (09022015). Collection method: clinical testing. Allele origin: germline.
Comment: This variant has not been reported in the literature in individuals affected with SYNE1-related conditions. This variant is not present in population databases (gnomAD no frequency). This sequence change replaces glycine, which is neutral and non-polar, with arginine, which is basic and polar, at codon 4758 of the SYNE1 protein (p.Gly4758Arg). In summary, the available evidence is currently insufficient to determine the role of this variant in disease. Therefore, it has been classified as a Variant of Uncertain Significance. Algorithms developed to predict the effect of missense changes on protein structure and function are either unavailable or do not agree on the potential impact of this missense change (SIFT: "Deleterious"; PolyPhen-2: "Possibly Damaging"; Align-GVGD: "Class C0").

NM_182961.4(SYNE1):c.14485G>A (p.Gly4829Arg)

Gene: SYNE1 (spectrin repeat containing nuclear envelope protein 1; minus strand). Cytogenetic location: 6q25.2.
Variant type: single nucleotide variant.
Coding change: c.14485G>A on transcript NM_182961.4 (MANE Select); coding-DNA position 14485, G replaced by A.
Protein change: p.Gly4829Arg; replaces glycine 4829 with arginine.
Molecular consequence: missense variant.
Genome position (GRCh38, 1-based): chr6:152,330,200, C>T on the plus strand (G>A on the coding strand, the complement: SYNE1 is on the minus strand). VCF-style: chr6-152330200-C-T. GRCh37 (hg19) VCF-style: chr6-152651335-C-T.
Other names: c.14272G>A, p.Gly4758Arg (NM_033071.5); short protein forms G4758R, G4829R.
Identifiers: ClinVar variation 1394130 (VCV001394130.6), dbSNP rs1278211656, ClinGen allele CA366097553.